The following is an entry in ClinVar:

NM_000138.5(FBN1):c.6704G>T (p.Gly2235Val)

Gene: FBN1 (fibrillin 1; minus strand). Cytogenetic location: 15q21.1.
Variant type: single nucleotide variant.
Coding change: c.6704G>T on transcript NM_000138.5 (MANE Select); coding-DNA position 6704, G replaced by T.
Protein change: p.Gly2235Val; replaces glycine 2235 with valine.
Molecular consequence: missense variant.
Genome position (GRCh38, 1-based): chr15:48,432,901, C>A on the plus strand (G>T on the coding strand, the complement: FBN1 is on the minus strand). VCF-style: chr15-48432901-C-A. GRCh37 (hg19) VCF-style: chr15-48725098-C-A.
Other names: c.6704G>T, p.Gly2235Val (NM_001406716.1); short protein forms G2235V.
Identifiers: ClinVar variation 3600253 (VCV003600253.2).
Genomic context (GRCh38, chr15:48,432,901, plus strand): 5'-GATGACCTTGAACACGATGACTCACCTTTGCACATCCTACGGTCTTCTCTGAGCACATAT[C>A]CCACGGGACATTTGCATTCATATGACCCATAAGTGTTCACACATCGGAAGGCACAGAGCA-3'
Protein context (NP_000129.3, residues 2225-2245): YGSYECKCPV[Gly2235Val]YVLREDRRMC

ClinVar aggregate classification (germline): Uncertain significance. Review status: criteria provided, single submitter (1 of 4 stars). 2 submissions from 2 submitters: Uncertain significance (1). 1 of the submissions does not count toward it. Last evaluated 2024-01-23.

Conditions:
Marfan syndrome (MFS). Also called: MARFAN SYNDROME, TYPE I; Marfan syndrome type 1; Marfan's syndrome; FBN1-Related Marfan Syndrome; Marfan syndrome, classic. Identifiers: Orphanet 284963, Orphanet 558, MedGen C0024796, MONDO:0007947, OMIM 154700.

Submissions (2):

Blueprint Genetics
Classification: Uncertain significance. Last evaluated: 2024-01-23. Review status: criteria provided, single submitter. Criteria: ACMG Guidelines, 2015. Collection method: clinical testing. Allele origin: germline.

Department of Laboratory Medicine and Genetics, Samsung Medical Center
Classification: Likely pathogenic for Marfan syndrome. Last evaluated: 2025-01-02. Review status: no assertion criteria provided. Collection method: clinical testing. Allele origin: germline. Affected: yes. Not counted in ClinVar's aggregate classification.
Comment: The NM_000138.5:c.6704G>T is considered to be rare in the general population database (gnomAD v2.1.1). This variant is predicted to be deleterious by in-silico analysis (REVEL). This variant was found in two patients with Marfan syndrome meeting revised Ghent criteria (aortic root dilatation and ectopia lentis or aortic root dilatation and a systemic score of 8 points) (Samsung Medical Center internal data). According to the ClinGen guidance for PP1/BS4 and PP4 criteria (PMID: 38103548), PP4 with weighted strength was applied. In summary, this variant was classified as a likely pathogenic variant for Marfan syndrome (PP2, PP3, PP4 with weighted strength, PM2_P).

Literature cited by the submitters: PubMed 37558401 (cited by Department of Laboratory Medicine and Genetics, Samsung Medical Center).